The following is an entry in ClinVar:

NM_139058.3(ARX):c.1128C>G (p.Phe376Leu)

Gene: ARX (aristaless related homeobox; minus strand). Cytogenetic location: Xp21.3.
Variant type: single nucleotide variant.
Coding change: c.1128C>G on transcript NM_139058.3 (MANE Select); coding-DNA position 1128, C replaced by G.
Protein change: p.Phe376Leu; replaces phenylalanine 376 with leucine.
Molecular consequence: missense variant.
Genome position (GRCh38, 1-based): chrX:25,007,431, G>C on the plus strand (C>G on the coding strand, the complement: ARX is on the minus strand). VCF-style: chrX-25007431-G-C. GRCh37 (hg19) VCF-style: chrX-25025548-G-C.
Other names: short protein forms F376L.
Identifiers: ClinVar variation 976347 (VCV000976347.2), dbSNP rs2048683301, ClinGen allele CA412611672.

ClinVar aggregate classification (germline): Conflicting classifications of pathogenicity. Review status: criteria provided, conflicting classifications (1 of 4 stars). 2 submissions from 1 submitter: Likely pathogenic (1); Uncertain significance (1). Last evaluated 2020-08-03.

Conditions:
Intellectual disability. Also called: intellectual disabilities; Intellectual developmental disorder; Intellectual functioning disability. Identifiers: MedGen C3714756, MeSH D008607, MONDO:0001071, HP:0001249.
Developmental and epileptic encephalopathy, 1 (DEE1). Also called: Epileptic encephalopathy, early infantile, 1; X-linked infantile spasms; West's syndrome; Tonic spasms with clustering, arrest of psychomotor development and hypsarrhythmia on EEG; X-Linked Infantile Spasm Syndrome; OHTAHARA SYNDROME, X-LINKED. Identifiers: MedGen C3463992, MONDO:0010632, OMIM 308350. Disease mechanism: loss of function.

Submissions (2):

Institute of Human Genetics, University of Leipzig Medical Center
Classification: Likely pathogenic for Intellectual disability. Last evaluated: 2020-08-03. Review status: criteria provided, single submitter. Criteria: ACMG Guidelines, 2015. Collection method: clinical testing. Allele origin: unknown. Affected: yes.
Comment: Inheritance for this variant was unknown. The variant likely explains the NDD in this individual.

Institute of Human Genetics, University of Leipzig Medical Center
Classification: Uncertain significance for Developmental and epileptic encephalopathy, 1. Last evaluated: 2018-10-23. Review status: criteria provided, single submitter. Criteria: ACMG Guidelines, 2015. Collection method: clinical testing. Allele origin: germline. Affected: yes. Observed: 1 variant allele.
Comment: This variant was identified as hemizygous